The following is an entry in ClinVar:

ClinVar aggregate classification (germline): Uncertain significance (1 of 4 stars; one submission).

Allele frequency attached by ClinVar (database versions not stated): ExAC 0.00001; TOPMed 0.00001; gnomAD 0.00003; 1000 Genomes Project 30x 0.00016; 1000 Genomes Project 0.00020.
gnomAD v4.1: 14 of 1,613,184 alleles (0.00087%); highest among the groups gnomAD compares: Admixed American, 0.017%; no homozygotes.

Submission:

Labcorp Genetics (formerly Invitae), Labcorp
Classification: Uncertain significance. Last evaluated: 2022-05-25. Review status: criteria provided, single submitter. Criteria: Invitae Variant Classification Sherloc (09022015). Collection method: clinical testing. Allele origin: germline.
Comment: This sequence change replaces alanine, which is neutral and non-polar, with serine, which is neutral and polar, at codon 83 of the GOT2 protein (p.Ala83Ser). This variant is present in population databases (rs139272931, gnomAD 0.01%). This variant has not been reported in the literature in individuals affected with GOT2-related conditions. Algorithms developed to predict the effect of missense changes on protein structure and function (SIFT, PolyPhen-2, Align-GVGD) all suggest that this variant is likely to be disruptive. In summary, the available evidence is currently insufficient to determine the role of this variant in disease. Therefore, it has been classified as a Variant of Uncertain Significance.

NM_002080.4(GOT2):c.247G>T (p.Ala83Ser)

Gene: GOT2 (glutamic-oxaloacetic transaminase 2; minus strand). Cytogenetic location: 16q21.
Variant type: single nucleotide variant.
Coding change: c.247G>T on transcript NM_002080.4 (MANE Select); coding-DNA position 247, G replaced by T.
Protein change: p.Ala83Ser; replaces alanine 83 with serine.
Molecular consequence: missense variant. On other transcripts: intron variant (1).
Genome position (GRCh38, 1-based): chr16:58,722,278, C>A on the plus strand (G>T on the coding strand, the complement: GOT2 is on the minus strand). VCF-style: chr16-58722278-C-A. GRCh37 (hg19) VCF-style: chr16-58756182-C-A.
Other names: c.246+1468G>T (NM_001286220.2); short protein forms A83S.
Identifiers: ClinVar variation 1933187 (VCV001933187.2), dbSNP rs139272931, ClinGen allele CA8091100.
Genomic context (GRCh38, chr16:58,722,278, plus strand): 5'-CCAGTCCCCCAATGGGCAGGTATTCCTTGTCCAAATTTTTTGCGGCAATCTGGGCCTCTG[C>A]CTAGACAAGAGAAAATACATCCATTGAATTTCTTCTCCTTACTTGGAATTACTATGATTA-3'
Protein context (NP_002071.2, residues 73-93): KPYVLPSVRK[Ala83Ser]EAQIAAKNLD